The following is an entry in ClinVar:

NM_001374828.1(ARID1B):c.1329del (p.Ser444fs)

Gene: ARID1B (AT-rich interaction domain 1B; plus strand). Cytogenetic location: 6q25.3.
Variant type: Deletion.
Coding change: c.1329del on transcript NM_001374828.1 (MANE Select); coding-DNA position 1329, one base deleted (C; older notation c.1329delC).
Protein change: p.Ser444fs; shifts the reading frame from serine 444.
Molecular consequence: frameshift variant.
Genome position (GRCh38, 1-based): chr6:156,779,009, C deleted. VCF-style (leftmost placement, unchanged base first): chr6-156779008-GC-G. GRCh37 (hg19) VCF-style: chr6-157100142-GC-G.
Other names: c.1080delC, p.Ser361Argfs (NM_001346813.1, NM_020732.3); c.1329del, p.Ser444fs (NM_001371656.1, NM_001374820.1, NM_017519.3); c.906delC, p.Ser303Argfs (NM_175863.2); c.1080delC (NM_017519.2); short protein forms S444fs.
Identifiers: ClinVar variation 2575983 (VCV002575983.3), dbSNP rs2546838229, ClinGen allele CA2580615807.

ClinVar aggregate classification (germline): Pathogenic. Review status: criteria provided, multiple submitters, no conflicts (2 of 4 stars). 2 submissions from 2 submitters: Pathogenic (2). Last evaluated 2024-09-20.

Conditions:
Coffin-Siris syndrome 1 (CSS1). Also called: Mental retardation, autosomal dominant 12; ARID1B-Related Coffin-Siris Syndrome. Identifiers: Orphanet 1465, MedGen C3281201, MONDO:0007617, OMIM 135900. Disease mechanism: gain of function.

Submissions (2):

Victorian Clinical Genetics Services, Murdoch Childrens Research Institute
Classification: Pathogenic for Coffin-Siris syndrome 1. Last evaluated: 2024-09-20. Review status: criteria provided, single submitter. Criteria: ACMG Guidelines, 2015. Collection method: clinical testing. Allele origin: germline. Inheritance: Autosomal dominant inheritance. Affected: yes.
Comment: Based on the classification scheme VCGS_Germline_v1.3.4, this variant is classified as Pathogenic. Following criteria are met: 0102 - Loss of function is a known mechanism of disease in this gene and is associated with Coffin-Siris syndrome 1 (MIM#135900). (I) 0107 - This gene is associated with autosomal dominant disease. (I) 0115 - Variants in this gene are known to have variable expressivity (PMID: 33768696). (I) 0201 - Variant is predicted to cause nonsense-mediated decay (NMD) and loss of protein (premature termination codon is located at least 54 nucleotides upstream of the final exon-exon junction). (SP) 0251 - This variant is heterozygous. (I) 0301 - Variant is absent from gnomAD (both v2 and v3). (SP) 0701 - Other NMD-predicted variants comparable to the one identified in this case have very strong previous evidence for pathogenicity. Multiple NMD-predicted variants have previously been reported as pathogenic for Coffin-Siris syndrome 1 (ClinVar, DECIPHER). (SP) 0803 - This variant has limited previous evidence of pathogenicity in an unrelated individuals. This variant has been classified as pathogenic in one individual (ClinVar). (SP) 0905 - No published segregation evidence has been identified for this variant. (I) 1007 - No published functional evidence has been identified for this variant. (SP) Legend: (SP) - Supporting pathogenic, (I) - Information, (SB) - Supporting benign

Institute for Clinical Genetics, University Hospital TU Dresden, University Hospital TU Dresden
Classification: Pathogenic. Last evaluated: 2022-05-10. Review status: criteria provided, single submitter. Criteria: ACMG Guidelines, 2015. Collection method: clinical testing. Allele origin: germline.
Comment: PVS1, PS1, PM2_SUP

Literature cited by the submitters: PubMed 33768696 (cited by Victorian Clinical Genetics Services, Murdoch Childrens Research Institute).